The following is an entry in ClinVar:

ClinVar aggregate classification (germline): Uncertain significance. Review status: criteria provided, multiple submitters, no conflicts (2 of 4 stars). 2 submissions from 2 submitters: Uncertain significance (2). Last evaluated 2025-08-05.

Conditions:
Inborn genetic diseases. Identifiers: MedGen C0950123, MeSH D030342.

Allele frequency attached by ClinVar (database versions not stated): ESP Exome Variant Server 0.00016.
gnomAD v4.1: 99 of 1,611,204 alleles (0.0061%); highest among the groups gnomAD compares: Non-Finnish European, 0.0082%; no homozygotes.

Submissions (2):

Ambry Genetics
Classification: Uncertain significance for Inborn genetic diseases. Last evaluated: 2025-08-05. Review status: criteria provided, single submitter. Criteria: Ambry Variant Classification Scheme 2023. Collection method: clinical testing. Allele origin: germline.

Labcorp Genetics (formerly Invitae), Labcorp
Classification: Uncertain significance. Last evaluated: 2024-09-05. Review status: criteria provided, single submitter. Criteria: Invitae Variant Classification Sherloc (09022015). Collection method: clinical testing. Allele origin: germline.
Comment: This sequence change replaces tyrosine, which is neutral and polar, with phenylalanine, which is neutral and non-polar, at codon 2245 of the SPEG protein (p.Tyr2245Phe). This variant is present in population databases (rs200650051, gnomAD 0.009%). This variant has not been reported in the literature in individuals affected with SPEG-related conditions. ClinVar contains an entry for this variant (Variation ID: 1392914). An algorithm developed to predict the effect of missense changes on protein structure and function (PolyPhen-2) suggests that this variant is likely to be disruptive. In summary, the available evidence is currently insufficient to determine the role of this variant in disease. Therefore, it has been classified as a Variant of Uncertain Significance.

NM_005876.5(SPEG):c.6734A>T (p.Tyr2245Phe)

Genes: ASIC4-AS1 (ASIC4 antisense RNA 1; minus strand), SPEG (striated muscle enriched protein kinase; plus strand). Cytogenetic location: 2q35.
Variant type: single nucleotide variant.
Coding change: c.6734A>T on transcript NM_005876.5 (MANE Select); coding-DNA position 6734, A replaced by T.
Protein change: p.Tyr2245Phe; replaces tyrosine 2245 with phenylalanine.
Molecular consequence: missense variant.
Genome position (GRCh38, 1-based): chr2:219,484,197, A>T. VCF-style: chr2-219484197-A-T. GRCh37 (hg19) VCF-style: chr2-220348919-A-T.
Other names: c.6734A>T (NM_005876.4); short protein forms Y2245F.
Identifiers: ClinVar variation 1392914 (VCV001392914.8), dbSNP rs200650051, ClinGen allele CA2127103.